The following is an entry in ClinVar:

NM_007198.4(PLPBP):c.530T>C (p.Phe177Ser)

Gene: PLPBP (pyridoxal phosphate binding protein; plus strand). Cytogenetic location: 8p11.23.
Variant type: single nucleotide variant.
Coding change: c.530T>C on transcript NM_007198.4 (MANE Select); coding-DNA position 530, T replaced by C.
Protein change: p.Phe177Ser; replaces phenylalanine 177 with serine.
Molecular consequence: missense variant.
Genome position (GRCh38, 1-based): chr8:37,775,414, T>C. VCF-style: chr8-37775414-T-C. GRCh37 (hg19) VCF-style: chr8-37632932-T-C.
Other names: c.560T>C, p.Phe187Ser (NM_001349346.2); c.524T>C, p.Phe175Ser (NM_001349347.2); c.374T>C, p.Phe125Ser (NM_001349348.2); short protein forms F125S, F175S, F177S, F187S.
Identifiers: ClinVar variation 1303777 (VCV001303777.2), dbSNP rs2129809751, ClinGen allele CA370668454.
Genomic context (GRCh38, chr8:37,775,414, plus strand): 5'-CACCTTCAGAGACCATAGCCATCGTGGAGCACATAAACGCCAAGTGTCCTAACCTGGAGT[T>C]TGTGGGGCTGATGACCATAGGAAGCTTTGGGCATGATCTTAGTCAAGGACCAAATCCAGA-3'
Protein context (NP_009129.1, residues 167-187): HINAKCPNLE[Phe177Ser]VGLMTIGSFG

ClinVar aggregate classification (germline): Uncertain significance (1 of 4 stars; one submission).

Submission:

GeneDx
Classification: Uncertain significance. Last evaluated: 2021-01-04. Review status: criteria provided, single submitter. Criteria: GeneDx Variant Classification Process June 2021. Collection method: clinical testing. Allele origin: germline. Affected: yes.
Comment: Not observed in large population cohorts (Lek et al., 2016); In silico analysis supports that this missense variant has a deleterious effect on protein structure/function; Has not been previously published as pathogenic or benign to our knowledge